The following is an entry in ClinVar:

NM_000548.5(TSC2):c.1774A>G (p.Ser592Gly)

Gene: TSC2 (TSC complex subunit 2; plus strand). Cytogenetic location: 16p13.3.
Variant type: single nucleotide variant.
Coding change: c.1774A>G on transcript NM_000548.5 (MANE Select); coding-DNA position 1774, A replaced by G.
Protein change: p.Ser592Gly; replaces serine 592 with glycine.
Molecular consequence: missense variant.
Genome position (GRCh38, 1-based): chr16:2,070,513, A>G. VCF-style: chr16-2070513-A-G. GRCh37 (hg19) VCF-style: chr16-2120514-A-G.
Other names: c.1774A>G, p.Ser592Gly (NM_001077183.3, NM_001114382.3, NM_001363528.2 and 3 more transcripts); c.1663A>G, p.Ser555Gly (NM_001318827.2); c.1627A>G, p.Ser543Gly (NM_001318829.2); c.1174A>G, p.Ser392Gly (NM_001318831.2); c.1807A>G, p.Ser603Gly (NM_001318832.2); short protein forms S592G, S543G, S392G, S603G, S555G.
Identifiers: ClinVar variation 406019 (VCV000406019.18), dbSNP rs910068556, ClinGen allele CA16614713.

ClinVar aggregate classification (germline): Conflicting classifications of pathogenicity. Review status: criteria provided, conflicting classifications (1 of 4 stars). 5 submissions from 5 submitters: Uncertain significance (3); Benign (1); Likely benign (1). Last evaluated 2025-11-25.

Conditions:
Isolated focal cortical dysplasia type II (FCORD2). Also called: CORTICAL DYSPLASIA OF TAYLOR; Focal cortical dysplasia type II. Identifiers: Orphanet 268994, MedGen C1846385, MONDO:0011818, OMIM 607341, HP:0032051.
Lymphangiomyomatosis (LAM). Also called: Lymphangioleiomyomatosis, somatic; Lymphangioleiomyomatosis. Identifiers: Orphanet 538, MedGen C0751674, MONDO:0011705, OMIM 606690.
Tuberous sclerosis 2 (TSC2). Identifiers: Orphanet 805, MedGen C1860707, MONDO:0013199, OMIM 613254.
Hereditary cancer-predisposing syndrome. Also called: Tumor predisposition; Neoplastic Syndromes, Hereditary; Hereditary Cancer Syndrome; Hereditary neoplastic syndrome. Identifiers: Orphanet 140162, MedGen C0027672, MeSH D009386, MONDO:0015356.

Allele frequency attached by ClinVar (database versions not stated): gnomAD 0.00001; gnomAD exomes 0.00001; TOPMed 0.00001.
gnomAD v4.1: 9 of 1,613,278 alleles (0.00056%); highest among the groups gnomAD compares: Non-Finnish European, 0.00068%; no homozygotes.

Submissions (5):

Labcorp Genetics (formerly Invitae), Labcorp
Classification: Benign for Tuberous sclerosis 2. Last evaluated: 2025-11-25. Review status: criteria provided, single submitter. Criteria: Invitae Variant Classification Sherloc (09022015). Collection method: clinical testing. Allele origin: germline.

GeneDx
Classification: Uncertain significance. Last evaluated: 2025-06-04. Review status: criteria provided, single submitter. Criteria: GeneDx Variant Classification Process June 2021. Collection method: clinical testing. Allele origin: germline. Affected: yes.
Comment: Not observed at significant frequency in large population cohorts (gnomAD); In silico analysis suggests that this missense variant does not alter protein structure/function; Has not been previously published as pathogenic or benign to our knowledge

Ambry Genetics
Classification: Likely benign for Hereditary cancer-predisposing syndrome. Last evaluated: 2024-08-29. Review status: criteria provided, single submitter. Criteria: Ambry Variant Classification Scheme 2023. Collection method: clinical testing. Allele origin: germline.

Genome-Nilou Lab
Classification: Uncertain significance for Tuberous sclerosis 2. Last evaluated: 2021-11-07. Review status: criteria provided, single submitter. Criteria: ACMG Guidelines, 2015. Collection method: clinical testing. Allele origin: germline. Affected: no.

Fulgent Genetics
Classification: Uncertain significance for Lymphangiomyomatosis; Isolated focal cortical dysplasia type II; Tuberous sclerosis 2. Last evaluated: 2018-10-31. Review status: criteria provided, single submitter. Criteria: ACMG Guidelines, 2015. Collection method: clinical testing. Allele origin: unknown.